The following is an entry in ClinVar:

ClinVar aggregate classification (germline): Uncertain significance (1 of 4 stars; one submission).

Conditions:
Hereditary nonpolyposis colorectal neoplasms. Identifiers: MedGen C0009405, MeSH D003123.

Submission:

Labcorp Genetics (formerly Invitae), Labcorp
Classification: Uncertain significance for Hereditary nonpolyposis colorectal neoplasms. Last evaluated: 2023-12-01. Review status: criteria provided, single submitter. Criteria: Invitae Variant Classification Sherloc (09022015). Collection method: clinical testing. Allele origin: germline.
Comment: This sequence change replaces methionine, which is neutral and non-polar, with valine, which is neutral and non-polar, at codon 711 of the PMS2 protein (p.Met711Val). The frequency data for this variant in the population databases (gnomAD) is considered unreliable due to the presence of homologous sequence, such as pseudogenes or paralogs, in the genome. This variant has not been reported in the literature in individuals affected with PMS2-related conditions. Advanced modeling of protein sequence and biophysical properties (such as structural, functional, and spatial information, amino acid conservation, physicochemical variation, residue mobility, and thermodynamic stability) has been performed at Invitae for this missense variant, however the output from this modeling did not meet the statistical confidence thresholds required to predict the impact of this variant on PMS2 protein function. In summary, the available evidence is currently insufficient to determine the role of this variant in disease. Therefore, it has been classified as a Variant of Uncertain Significance.

NM_000535.7(PMS2):c.2131A>G (p.Met711Val)

Gene: PMS2 (PMS1 homolog 2, mismatch repair system component; minus strand). Cytogenetic location: 7p22.1.
Variant type: single nucleotide variant.
Coding change: c.2131A>G on transcript NM_000535.7 (MANE Select); coding-DNA position 2131, A replaced by G.
Protein change: p.Met711Val; replaces methionine 711 with valine.
Molecular consequence: missense variant. On other transcripts: non-coding transcript variant (1), intron variant (4).
Genome position (GRCh38, 1-based): chr7:5,982,867, T>C on the plus strand (A>G on the coding strand, the complement: PMS2 is on the minus strand). VCF-style: chr7-5982867-T-C. GRCh37 (hg19) VCF-style: chr7-6022498-T-C.
Other names: c.1726A>G, p.Met576Val (NM_001018040.1, NM_001322003.2, NM_001322004.2 and 15 more transcripts); c.1975A>G, p.Met659Val (NM_001322006.2, NM_001406870.1); c.1813A>G, p.Met605Val (NM_001322007.2, NM_001322008.2, NM_001406883.1 and 1 more transcripts); c.1570A>G, p.Met524Val (NM_001322010.2, NM_001406906.1, NM_001406907.1); c.1198A>G, p.Met400Val (NM_001322011.2, NM_001322012.2); c.1558A>G, p.Met520Val (NM_001322013.2, NM_001406909.1); c.2131A>G, p.Met711Val (NM_001322014.2, NM_001406871.1); c.1822A>G, p.Met608Val (NM_001322015.2, NM_001406882.1, NM_001406875.1 and 5 more transcripts); and 16 more; short protein forms M520V, M556V, M599V, M655V, M675V, M540V, M553V, M603V.
Identifiers: ClinVar variation 2910105 (VCV002910105.3), dbSNP rs2535534457, ClinGen allele CA366737925.